The following is an entry in ClinVar:

NM_144573.4(NEXN):c.1937C>A (p.Pro646Gln)

Gene: NEXN (nexilin F-actin binding protein; plus strand). Cytogenetic location: 1p31.1.
Variant type: single nucleotide variant.
Coding change: c.1937C>A on transcript NM_144573.4 (MANE Select); coding-DNA position 1937, C replaced by A.
Protein change: p.Pro646Gln; replaces proline 646 with glutamine.
Molecular consequence: missense variant.
Genome position (GRCh38, 1-based): chr1:77,942,738, C>A. VCF-style: chr1-77942738-C-A. GRCh37 (hg19) VCF-style: chr1-78408423-C-A.
Other names: c.1745C>A, p.Pro582Gln (NM_001172309.2); short protein forms P646Q, P582Q.
Identifiers: ClinVar variation 47898 (VCV000047898.5), dbSNP rs397517852, ClinGen allele CA142137.

ClinVar aggregate classification (germline): Uncertain significance (1 of 4 stars; one submission).

Submission:

Laboratory for Molecular Medicine, Mass General Brigham Personalized Medicine
Classification: Uncertain significance. Last evaluated: 2011-11-01. Review status: criteria provided, single submitter. Criteria: LMM Criteria. Collection method: clinical testing. Allele origin: germline. Observed: 1 variant allele.
Comment: Proline (Pro) at position 646 is high ly conserved across evolutionarily distant species, increasing the likelihood th at a change would not be tolerated. In addition, computational tools (AlignGVGD, PolyPhen2, and SIFT) predict that this change will impact the protein, though t heir accuracy is unknown. Although this data increases the likelihood that this variant is pathogenic, it should be noted that the NEXN gene has not yet been wi dely sequenced. It therefore remains possible that this variant will turn out to be common in the general population once a larger number of individuals have be en sequenced. In summary, additional data is needed to determine the clinical si gnificance of this variant.